The following is an entry in ClinVar:

ClinVar aggregate classification (germline): Uncertain significance (1 of 4 stars; one submission).

Conditions:
Familial thoracic aortic aneurysm and aortic dissection (TAAD). Also called: Thoracic aortic aneurysms and dissections. Identifiers: Orphanet 91387, MedGen C4707243, MONDO:0019625.

Submission:

Ambry Genetics
Classification: Uncertain significance for Familial thoracic aortic aneurysm and aortic dissection. Last evaluated: 2021-12-18. Review status: criteria provided, single submitter. Criteria: Ambry Variant Classification Scheme 2023. Collection method: clinical testing. Allele origin: germline.
Comment: The p.F2174S variant (also known as c.6521T>C), located in coding exon 45 of the MED12 gene, results from a T to C substitution at nucleotide position 6521. The phenylalanine at codon 2174 is replaced by serine, an amino acid with highly dissimilar properties. This amino acid position is conserved. In addition, the in silico prediction for this alteration is inconclusive. Since supporting evidence is limited at this time, the clinical significance of this alteration remains unclear.

NM_005120.3(MED12):c.6521T>C (p.Phe2174Ser)

Gene: MED12 (mediator complex subunit 12; plus strand). Cytogenetic location: Xq13.1.
Variant type: single nucleotide variant.
Coding change: c.6521T>C on transcript NM_005120.3 (MANE Select); coding-DNA position 6521, T replaced by C.
Protein change: p.Phe2174Ser; replaces phenylalanine 2174 with serine.
Molecular consequence: missense variant.
Genome position (GRCh38, 1-based): chrX:71,142,205, T>C. VCF-style: chrX-71142205-T-C. GRCh37 (hg19) VCF-style: chrX-70362055-T-C.
Other names: short protein forms F2174S.
Identifiers: ClinVar variation 1754033 (VCV001754033.2), dbSNP rs2519725831, ClinGen allele CA413544830.
Genomic context (GRCh38, chrX:71,142,205, plus strand): 5'-CCATCCCTGATAATCTCTGGTTTTTCACAGATACCCAGCCACAGCCCAGTACCAACATAT[T>C]TGGACGCTACTGAGCCACCTGGAGGAACTGCTTGTGCACTGGATGTGGCCCCACCCTTTC-3'
Protein context (NP_005111.2, residues 2164-2177): NTQPQPSTNI[Phe2174Ser]GRY